The following is an entry in ClinVar:

ClinVar aggregate classification (germline): Uncertain significance. Review status: criteria provided, single submitter (1 of 4 stars). 2 submissions from 2 submitters: Uncertain significance (1). 1 of the submissions does not count toward it. Last evaluated 2025-06-18.

Conditions:
Noonan syndrome (NS). Also called: Noonan's syndrome. Identifiers: Orphanet 648, MedGen C0028326, MeSH D009634, MONDO:0018997. Disease mechanism: gain of function.
Noonan syndrome 8 (NS8). Identifiers: Orphanet 648, MedGen C3809233, MONDO:0014143, OMIM 615355.

Submissions (2):

Labcorp Genetics (formerly Invitae), Labcorp
Classification: Uncertain significance for Noonan syndrome 8. Last evaluated: 2025-06-18. Review status: criteria provided, single submitter. Criteria: Invitae Variant Classification Sherloc (09022015). Collection method: clinical testing. Allele origin: germline.
Comment: This sequence change replaces histidine, which is basic and polar, with leucine, which is neutral and non-polar, at codon 44 of the RIT1 protein (p.His44Leu). This variant is not present in population databases (gnomAD no frequency). This variant has not been reported in the literature in individuals affected with RIT1-related conditions. ClinVar contains an entry for this variant (Variation ID: 981602). An algorithm developed to predict the effect of missense changes on protein structure and function (PolyPhen-2) suggests that this variant is likely to be disruptive. In summary, the available evidence is currently insufficient to determine the role of this variant in disease. Therefore, it has been classified as a Variant of Uncertain Significance.

Service de Génétique Moléculaire, Hôpital Robert Debré
Classification: Likely benign for Noonan syndrome. Review status: no assertion criteria provided. Collection method: clinical testing. Allele origin: maternal. Affected: no. Not counted in ClinVar's aggregate classification.

NM_006912.6(RIT1):c.131A>T (p.His44Leu)

Gene: RIT1 (Ras like without CAAX 1; minus strand). Cytogenetic location: 1q22.
Variant type: single nucleotide variant.
Coding change: c.131A>T on transcript NM_006912.6 (MANE Select); coding-DNA position 131, A replaced by T.
Protein change: p.His44Leu; replaces histidine 44 with leucine.
Molecular consequence: missense variant.
Genome position (GRCh38, 1-based): chr1:155,910,482, T>A on the plus strand (A>T on the coding strand, the complement: RIT1 is on the minus strand). VCF-style: chr1-155910482-T-A. GRCh37 (hg19) VCF-style: chr1-155880273-T-A.
Other names: c.23A>T, p.His8Leu (NM_001256820.2); c.182A>T, p.His61Leu (NM_001256821.2); short protein forms H44L, H61L, H8L.
Identifiers: ClinVar variation 981602 (VCV000981602.2), dbSNP rs2527197303, ClinGen allele CA342776020.